The following is an entry in ClinVar:

NM_206933.4(USH2A):c.10422C>G (p.Tyr3474Ter)

Gene: USH2A (usherin; minus strand). Cytogenetic location: 1q41.
Variant type: single nucleotide variant.
Coding change: c.10422C>G on transcript NM_206933.4 (MANE Select); coding-DNA position 10422, C replaced by G.
Protein change: p.Tyr3474Ter; replaces tyrosine 3474 with a stop codon.
Molecular consequence: nonsense.
Genome position (GRCh38, 1-based): chr1:215,782,901, G>C on the plus strand (C>G on the coding strand, the complement: USH2A is on the minus strand). VCF-style: chr1-215782901-G-C. GRCh37 (hg19) VCF-style: chr1-215956243-G-C.
Other names: short protein forms Y3474*.
Identifiers: ClinVar variation 5011252 (VCV005011252.1).
Genomic context (GRCh38, chr1:215,782,901, plus strand): 5'-TGTTCTGGCTCTCACAGCTTTGCTGAGTCCTCGCCCATAGCTGTTCCAGGCAGAAATCCT[G>C]TACTCATATGTCATGTAGGGCTTGAGGTTCACATCTGGAAAGAGAAAAAATAGACAGGGA-3'

ClinVar aggregate classification (germline): Pathogenic (1 of 4 stars; one submission).

Conditions:
USH2A-related disorder. Also called: USH2A-related condition; USH2A-related disorders. Identifiers: MedGen CN239332.

Submission:

Myriad Genetics, Inc.
Classification: Pathogenic for USH2A-related disorder. Last evaluated: 2023-08-07. Review status: criteria provided, single submitter. Criteria: Myriad Autosomal Dominant, Autosomal Recessive and X-Linked Classification Criteria (2023). Collection method: clinical testing. Allele origin: unknown.
Comment: NM_206933.2(USH2A):c.10422C>G(Y3474*) is expected to be pathogenic in the context of USH2A-related disorders. This variant is predicted to lead to an abnormal or absent protein product due to the creation of a premature termination codon in USH2A, a gene where loss-of-function variants are known to be pathogenic. Please note: this variant was assessed in the context of healthy population screening.